The following is an entry in ClinVar:

ClinVar aggregate classification (germline): Likely benign. Review status: criteria provided, multiple submitters, no conflicts (2 of 4 stars). 4 submissions from 4 submitters: Likely benign (4). Last evaluated 2025-09-12.

Conditions:
Ehlers-Danlos syndrome, classic type, 1 (EDSCL1). Also called: EDS I; EHLERS-DANLOS SYNDROME, GRAVIS TYPE; EHLERS-DANLOS SYNDROME, SEVERE CLASSIC TYPE; Ehlers-Danlos Syndrome, Classic Type, COL5A1-Related; Ehlers-Danlos syndrome, type 1. Identifiers: MedGen C0268335, MONDO:0019567, OMIM 130000.

Allele frequency attached by ClinVar (database versions not stated): gnomAD exomes 0.00002 and below 0.00001; TOPMed 0.00003; ExAC 0.00001; gnomAD 0.00005; ESP Exome Variant Server 0.00008.
gnomAD v4.1: 15 of 1,613,110 alleles (0.00093%); highest among the groups gnomAD compares: Admixed American, 0.015%; no homozygotes.

Submissions (4):

Labcorp Genetics (formerly Invitae), Labcorp
Classification: Likely benign for Ehlers-Danlos syndrome, classic type, 1. Last evaluated: 2025-09-12. Review status: criteria provided, single submitter. Criteria: Invitae Variant Classification Sherloc (09022015). Collection method: clinical testing. Allele origin: germline.

Women's Health and Genetics/Laboratory Corporation of America, LabCorp
Classification: Likely benign. Last evaluated: 2024-11-21. Review status: criteria provided, single submitter. Criteria: LabCorp Variant Classification Summary - May 2015. Collection method: clinical testing. Allele origin: germline.

ARUP Laboratories, Molecular Genetics and Genomics, ARUP Laboratories
Classification: Likely benign. Last evaluated: 2024-09-27. Review status: criteria provided, single submitter. Criteria: ARUP Molecular Germline Variant Investigation Process 2024. Collection method: clinical testing. Allele origin: germline.

GeneDx
Classification: Likely benign. Last evaluated: 2018-04-06. Review status: criteria provided, single submitter. Criteria: GeneDx Variant Classification (06012015). Collection method: clinical testing. Allele origin: germline. Affected: yes.
Comment: This variant is considered likely benign or benign based on one or more of the following criteria: it is a conservative change, it occurs at a poorly conserved position in the protein, it is predicted to be benign by multiple in silico algorithms, and/or has population frequency not consistent with disease.

NM_000093.5(COL5A1):c.4068+11A>G

Gene: COL5A1 (collagen type V alpha 1 chain; plus strand). Cytogenetic location: 9q34.3.
Variant type: single nucleotide variant.
Coding change: c.4068+11A>G on transcript NM_000093.5 (MANE Select); 11 bases into the intron after coding-DNA position 4068, A replaced by G.
Molecular consequence: intron variant.
Genome position (GRCh38, 1-based): chr9:134,815,640, A>G. VCF-style: chr9-134815640-A-G. GRCh37 (hg19) VCF-style: chr9-137707486-A-G.
Other names: c.4068+11A>G (NM_001278074.1).
Identifiers: ClinVar variation 681521 (VCV000681521.11), dbSNP rs371926479, ClinGen allele CA5320112.